The following is an entry in ClinVar:

NM_020745.4(AARS2):c.2683-20A>G

Gene: AARS2 (alanyl-tRNA synthetase 2, mitochondrial; minus strand). Cytogenetic location: 6p21.1.
Variant type: single nucleotide variant.
Coding change: c.2683-20A>G on transcript NM_020745.4 (MANE Select); 20 bases into the intron before coding-DNA position 2683, A replaced by G.
Molecular consequence: intron variant.
Genome position (GRCh38, 1-based): chr6:44,301,286, T>C on the plus strand (A>G on the coding strand, the complement: AARS2 is on the minus strand). VCF-style: chr6-44301286-T-C. GRCh37 (hg19) VCF-style: chr6-44269023-T-C.
Other names: c.2683-20A>G (NM_020745.3).
Identifiers: ClinVar variation 1168141 (VCV001168141.16), dbSNP rs325007, ClinGen allele CA3833871.

ClinVar aggregate classification (germline): Benign. Review status: criteria provided, multiple submitters, no conflicts (2 of 4 stars). 6 submissions from 5 submitters: Benign (6). Last evaluated 2026-09-21.

Conditions:
Leukoencephalopathy, progressive, with ovarian failure (LKENP). Identifiers: Orphanet 99853, MedGen C4014588, MONDO:0014387, OMIM 615889.
Combined oxidative phosphorylation defect type 8. Also called: CARDIOMYOPATHY, HYPERTROPHIC MITOCHONDRIAL, FATAL INFANTILE. Identifiers: Orphanet 319504, MedGen C4518839, MONDO:0013570, OMIM 614096.

Allele frequency attached by ClinVar (database versions not stated): 1000 Genomes Project 0.86781; ESP Exome Variant Server 0.86829; gnomAD 0.88354 and 0.87773; TOPMed 0.86952; 1000 Genomes Project 30x 0.86274; ExAC 0.94209; gnomAD exomes 0.94806 and 0.96286.
gnomAD v4.1: 1,540,947 of 1,613,724 alleles (95%); highest among the groups gnomAD compares: East Asian, 100%; 739,307 homozygotes.

Submissions (6):

Molecular Diagnostic Laboratory for Inherited Cardiovascular Disease, Montreal Heart Institute
Classification: Benign. Last evaluated: 2026-09-21. Review status: criteria provided, single submitter. Criteria: ACMG Guidelines, 2015. Collection method: clinical testing. Allele origin: germline. Affected: no.
Comment: BA1

Labcorp Genetics (formerly Invitae), Labcorp
Classification: Benign. Last evaluated: 2026-02-03. Review status: criteria provided, single submitter. Criteria: Invitae Variant Classification Sherloc (09022015). Collection method: clinical testing. Allele origin: germline.

Blueprint Genetics
Classification: Benign. Last evaluated: 2024-11-27. Review status: criteria provided, single submitter. Criteria: ACMG Guidelines, 2015. Collection method: clinical testing. Allele origin: germline.

Genome-Nilou Lab
Classification: Benign for Leukoencephalopathy, progressive, with ovarian failure. Last evaluated: 2021-07-14. Review status: criteria provided, single submitter. Criteria: ACMG Guidelines, 2015. Collection method: clinical testing. Allele origin: germline. Affected: no.

Genome-Nilou Lab
Classification: Benign for Combined oxidative phosphorylation defect type 8. Last evaluated: 2021-07-14. Review status: criteria provided, single submitter. Criteria: ACMG Guidelines, 2015. Collection method: clinical testing. Allele origin: germline. Affected: no.

GeneDx
Classification: Benign. Last evaluated: 2015-03-03. Review status: criteria provided, single submitter. Criteria: GeneDx Variant Classification Process June 2021. Collection method: clinical testing. Allele origin: germline. Affected: yes.